The following is an entry in ClinVar:

NM_001184.4(ATR):c.4613T>A (p.Leu1538Gln)

Gene: ATR (ATR serine/threonine kinase; minus strand). Cytogenetic location: 3q23.
Variant type: single nucleotide variant.
Coding change: c.4613T>A on transcript NM_001184.4 (MANE Select); coding-DNA position 4613, T replaced by A.
Protein change: p.Leu1538Gln; replaces leucine 1538 with glutamine.
Molecular consequence: missense variant.
Genome position (GRCh38, 1-based): chr3:142,513,529, A>T on the plus strand (T>A on the coding strand, the complement: ATR is on the minus strand). VCF-style: chr3-142513529-A-T. GRCh37 (hg19) VCF-style: chr3-142232371-A-T.
Other names: c.4421T>A, p.Leu1474Gln (NM_001354579.2); short protein forms L1538Q, L1474Q.
Identifiers: ClinVar variation 3460809 (VCV003460809.1).

ClinVar aggregate classification (germline): Uncertain significance (1 of 4 stars; one submission).

Conditions:
Inborn genetic diseases. Identifiers: MedGen C0950123, MeSH D030342.

gnomAD v4.1: 1 of 1,613,606 alleles (0.000062%); highest among the groups gnomAD compares: Non-Finnish European, 0.000085%; no homozygotes.

Submission:

Ambry Genetics
Classification: Uncertain significance for Inborn genetic diseases. Last evaluated: 2024-10-21. Review status: criteria provided, single submitter. Criteria: Ambry Variant Classification Scheme 2023. Collection method: clinical testing. Allele origin: germline.
Comment: The p.L1538Q variant (also known as c.4613T>A), located in coding exon 26 of the ATR gene, results from a T to A substitution at nucleotide position 4613. The leucine at codon 1538 is replaced by glutamine, an amino acid with dissimilar properties. This amino acid position is conserved. In addition, the in silico prediction for this alteration is inconclusive. Based on the available evidence, the clinical significance of this variant remains unclear.